The following is an entry in ClinVar:

ClinVar aggregate classification (germline): Likely benign (1 of 4 stars; one submission).

gnomAD v4.1: 4 of 1,211,236 alleles (0.00033%); highest among the groups gnomAD compares: Admixed American, 0.0022%; no homozygotes.

Submission:

CeGaT Center for Human Genetics Tuebingen
Classification: Likely benign. Last evaluated: 2024-12-01. Review status: criteria provided, single submitter. Criteria: CeGaT Center For Human Genetics Tuebingen Variant Classification Criteria Version 2. Collection method: clinical testing. Allele origin: germline. Affected: yes. Observed: 1 variant allele.
Comment: KLHL15: BP4, BP7

NM_030624.3(KLHL15):c.1479C>T (p.Phe493=)

Gene: KLHL15 (kelch like family member 15; minus strand). Cytogenetic location: Xp22.11.
Variant type: single nucleotide variant.
Coding change: c.1479C>T on transcript NM_030624.3 (MANE Select); coding-DNA position 1479, C replaced by T.
Protein change: p.Phe493=; no amino-acid change (phenylalanine 493 retained).
Molecular consequence: synonymous variant.
Genome position (GRCh38, 1-based): chrX:23,988,257, G>A on the plus strand (C>T on the coding strand, the complement: KLHL15 is on the minus strand). VCF-style: chrX-23988257-G-A. GRCh37 (hg19) VCF-style: chrX-24006374-G-A.
Identifiers: ClinVar variation 3770799 (VCV003770799.13).